The following is an entry in ClinVar:

ClinVar aggregate classification (germline): Likely benign (0 of 4 stars; one submission).

Conditions:
FAM131A-related disorder. Also called: FAM131A-related condition.

Allele frequency attached by ClinVar (database versions not stated): gnomAD exomes 0.00001; gnomAD 0.00002; TOPMed 0.00006; ExAC 0.00012.

Submission:

PreventionGenetics, part of Exact Sciences
Classification: Likely benign for FAM131A-related condition. Last evaluated: 2019-08-09. Review status: no assertion criteria provided. Collection method: clinical testing. Allele origin: germline.
Comment: This variant is classified as likely benign based on ACMG/AMP sequence variant interpretation guidelines (Richards et al. 2015 PMID: 25741868, with internal and published modifications).

NM_144635.5(FAM131A):c.999A>C (p.Pro333=)

Gene: FAM131A (family with sequence similarity 131 member A; plus strand). Cytogenetic location: 3q27.1.
Variant type: single nucleotide variant.
Coding change: c.999A>C on transcript NM_144635.5 (MANE Select); coding-DNA position 999, A replaced by C.
Protein change: p.Pro333=; no amino-acid change (proline 333 retained).
Molecular consequence: synonymous variant.
Genome position (GRCh38, 1-based): chr3:184,344,868, A>C. VCF-style: chr3-184344868-A-C. GRCh37 (hg19) VCF-style: chr3-184062656-A-C.
Other names: c.744A>C, p.Pro248= (NM_001171093.2, NM_001366133.1, NM_001366134.1).
Identifiers: ClinVar variation 3055718 (VCV003055718.2), dbSNP rs771155670, ClinGen allele CA2733547.